The following is an entry in ClinVar:

ClinVar aggregate classification (germline): Uncertain significance (1 of 4 stars; one submission).

Conditions:
STING-associated vasculopathy with onset in infancy. Also called: Sting-associated vasculopathy, infantile-onset. Identifiers: Orphanet 425120, MedGen C4014722, MONDO:0014405, OMIM 615934.

Submission:

Labcorp Genetics (formerly Invitae), Labcorp
Classification: Uncertain significance for STING-associated vasculopathy with onset in infancy. Last evaluated: 2020-06-26. Review status: criteria provided, single submitter. Criteria: Invitae Variant Classification Sherloc (09022015). Collection method: clinical testing. Allele origin: germline.
Comment: This sequence change replaces glycine with serine at codon 230 of the TMEM173 protein (p.Gly230Ser). The glycine residue is weakly conserved and there is a small physicochemical difference between glycine and serine. The frequency data for this variant in the population databases is not available, as this variant may be reported as separate entries in the ExAC database. This variant has not been reported in the literature in individuals with TMEM173-related conditions. Algorithms developed to predict the effect of missense changes on protein structure and function are either unavailable or do not agree on the potential impact of this missense change (SIFT: "Not Available"; PolyPhen-2: "Benign"; Align-GVGD: "Not Available"). In summary, the available evidence is currently insufficient to determine the role of this variant in disease. Therefore, it has been classified as a Variant of Uncertain Significance.

NM_198282.4(STING1):c.688_689delinsTC (p.Gly230Ser)

Gene: STING1 (stimulator of interferon response cGAMP interactor 1; minus strand). Cytogenetic location: 5q31.2.
Variant type: Indel.
Coding change: c.688_689delinsTC on transcript NM_198282.4 (MANE Select); coding-DNA positions 688 to 689, GG replaced by TC.
Protein change: p.Gly230Ser; replaces glycine 230 with serine.
Molecular consequence: missense variant.
Genome position (GRCh38, 1-based): chr5:139,478,340-139,478,341, CC replaced by GA on the plus strand (GG replaced by TC on the coding strand, the reverse complement: STING1 is on the minus strand). VCF-style: chr5-139478340-CC-GA. GRCh37 (hg19) VCF-style: chr5-138857925-CC-GA.
Other names: c.688_689delinsTC, p.Gly230Ser (NM_001301738.2); c.331_332delinsTC, p.Gly111Ser (NM_001367258.1); short protein forms G111S, G230S.
Identifiers: ClinVar variation 1006128 (VCV001006128.7), dbSNP rs1751724669, ClinGen allele CA1586314337.
Genomic context (GRCh38, chr5:139,478,340, plus strand): 5'-TTCTCCAGAAGCTCATAGATGCTGTTGCTGTAAACCCGATCCTTGATGCCAGCATGGTCA[CC>GA]GGTCTGCTGGGGCAGTTTATCCAGGAAGCGAATGTTGGGGTCAGCCATACTCAGGTTATC-3'
Protein context (NP_938023.1, residues 220-240): RFLDKLPQQT[Gly230Ser]DHAGIKDRVY